The following is an entry in ClinVar:

ClinVar aggregate classification (germline): Pathogenic (1 of 4 stars; one submission).

Conditions:
Alpha-N-acetylgalactosaminidase deficiency. Identifiers: Orphanet 3137, MedGen C5848084, MONDO:0017779.

gnomAD v4.1: 1 of 1,614,196 alleles (0.000062%); highest among the groups gnomAD compares: Non-Finnish European, 0.000085%; no homozygotes.

Submission:

Myriad Genetics, Inc.
Classification: Pathogenic for Alpha-N-acetylgalactosaminidase deficiency. Last evaluated: 2024-10-18. Review status: criteria provided, single submitter. Criteria: Myriad Autosomal Dominant, Autosomal Recessive and X-Linked Classification Criteria (2023). Collection method: clinical testing. Allele origin: unknown.
Comment: NM_000262.2(NAGA):c.818G>A(W273*) is expected to be pathogenic in the context of NAGA-related disorders. This variant is predicted to lead to an abnormal or absent protein product due to the creation of a premature termination codon in NAGA, a gene where loss-of-function variants are known to be pathogenic. Please note: this variant was assessed in the context of healthy population screening.

NM_000262.3(NAGA):c.818G>A (p.Trp273Ter)

Gene: NAGA (alpha-N-acetylgalactosaminidase; minus strand). Cytogenetic location: 22q13.2.
Variant type: single nucleotide variant.
Coding change: c.818G>A on transcript NM_000262.3 (MANE Select); coding-DNA position 818, G replaced by A.
Protein change: p.Trp273Ter; replaces tryptophan 273 with a stop codon.
Molecular consequence: nonsense.
Genome position (GRCh38, 1-based): chr22:42,062,966, C>T on the plus strand (G>A on the coding strand, the complement: NAGA is on the minus strand). VCF-style: chr22-42062966-C-T. GRCh37 (hg19) VCF-style: chr22-42458970-C-T.
Other names: c.818G>A, p.Trp273Ter (NM_001362848.1, NM_001362850.1); short protein forms W273*.
Identifiers: ClinVar variation 5013647 (VCV005013647.1).